The following is an entry in ClinVar:

NM_006231.4(POLE):c.6163G>T (p.Val2055Phe)

Gene: POLE (DNA polymerase epsilon, catalytic subunit; minus strand). Cytogenetic location: 12q24.33.
Variant type: single nucleotide variant.
Coding change: c.6163G>T on transcript NM_006231.4 (MANE Select); coding-DNA position 6163, G replaced by T.
Protein change: p.Val2055Phe; replaces valine 2055 with phenylalanine.
Molecular consequence: missense variant.
Genome position (GRCh38, 1-based): chr12:132,632,482, C>A on the plus strand (G>T on the coding strand, the complement: POLE is on the minus strand). VCF-style: chr12-132632482-C-A. GRCh37 (hg19) VCF-style: chr12-133209068-C-A.
Other names: short protein forms V2055F.
Identifiers: ClinVar variation 4740477 (VCV004740477.1).

ClinVar aggregate classification (germline): Uncertain significance (1 of 4 stars; one submission).

Submission:

Labcorp Genetics (formerly Invitae), Labcorp
Classification: Uncertain significance. Last evaluated: 2026-01-26. Review status: criteria provided, single submitter. Criteria: Invitae Variant Classification Sherloc (09022015). Collection method: clinical testing. Allele origin: germline.
Comment: This sequence change replaces valine, which is neutral and non-polar, with phenylalanine, which is neutral and non-polar, at codon 2055 of the POLE protein (p.Val2055Phe). This variant is not present in population databases (gnomAD no frequency). This variant has not been reported in the literature in individuals affected with POLE-related conditions. Invitae Evidence Modeling of protein sequence and biophysical properties (such as structural, functional, and spatial information, amino acid conservation, physicochemical variation, residue mobility, and thermodynamic stability) indicates that this missense variant is not expected to disrupt POLE protein function with a negative predictive value of 80%. In summary, the available evidence is currently insufficient to determine the role of this variant in disease. Therefore, it has been classified as a Variant of Uncertain Significance.